The following is an entry in ClinVar:

ClinVar aggregate classification (germline): Uncertain significance. Review status: criteria provided, multiple submitters, no conflicts (2 of 4 stars). 2 submissions from 2 submitters: Uncertain significance (2). Last evaluated 2025-04-01.

gnomAD v4.1: 5 of 1,490,078 alleles (0.00034%); highest among the groups gnomAD compares: Non-Finnish European, 0.00045%; no homozygotes.

Submissions (2):

CeGaT Center for Human Genetics Tuebingen
Classification: Uncertain significance. Last evaluated: 2025-04-01. Review status: criteria provided, single submitter. Criteria: CeGaT Center For Human Genetics Tuebingen Variant Classification Criteria Version 2. Collection method: clinical testing. Allele origin: germline. Affected: yes. Observed: 1 variant allele.
Comment: GRIK2: PM2, PP3

Blueprint Genetics
Classification: Uncertain significance. Last evaluated: 2021-10-19. Review status: criteria provided, single submitter. Criteria: ACMG Guidelines, 2015. Collection method: clinical testing. Allele origin: germline.

NM_021956.5(GRIK2):c.551G>A (p.Arg184His)

Gene: GRIK2 (glutamate ionotropic receptor kainate type subunit 2; plus strand). Cytogenetic location: 6q16.3.
Variant type: single nucleotide variant.
Coding change: c.551G>A on transcript NM_021956.5 (MANE Select); coding-DNA position 551, G replaced by A.
Protein change: p.Arg184His; replaces arginine 184 with histidine.
Molecular consequence: missense variant.
Genome position (GRCh38, 1-based): chr6:101,676,632, G>A. VCF-style: chr6-101676632-G-A. GRCh37 (hg19) VCF-style: chr6-102124507-G-A.
Other names: c.551G>A, p.Arg184His (NM_001166247.1, NM_175768.3); short protein forms R184H.
Identifiers: ClinVar variation 3898442 (VCV003898442.8).
Genomic context (GRCh38, chr6:101,676,632, plus strand): 5'-CTCTATTTTTTATCTCTAATATTCTTTTTTTTTTTTCCATTTTAATTAAAGGTCTCATTC[G>A]TTTGCAAGAGCTCATCAAAGCTCCATCAAGGTATAATCTTCGACTCAAAATTCGTCAGTT-3'
Protein context (NP_068775.1, residues 174-194): VVYDDSTGLI[Arg184His]LQELIKAPSR